The following is an entry in ClinVar:

ClinVar aggregate classification (germline): Pathogenic. Review status: criteria provided, single submitter (1 of 4 stars). 3 submissions from 3 submitters: Pathogenic (1). 2 of the submissions do not count toward it. Last evaluated 2024-01-03.

Conditions:
Ornithine carbamoyltransferase deficiency (OTCD). Also called: ORNITHINE TRANSCARBAMYLASE DEFICIENCY, HYPERAMMONEMIA DUE TO; ORNITHINE TRANSCARBAMYLASE DEFICIENCY; OTC DEFICIENCY; Ornithine Carbamoyltransferase Deficiency Disease. Identifiers: Orphanet 664, MedGen C0268542, MONDO:0010703, OMIM 311250.

Submissions (3):

Labcorp Genetics (formerly Invitae), Labcorp
Classification: Pathogenic for Ornithine carbamoyltransferase deficiency. Last evaluated: 2024-01-03. Review status: criteria provided, single submitter. Criteria: Invitae Variant Classification Sherloc (09022015). Collection method: clinical testing. Allele origin: germline.
Comment: This sequence change falls in intron 7 of the OTC gene. It does not directly change the encoded amino acid sequence of the OTC protein. It affects a nucleotide within the consensus splice site. This variant is not present in population databases (gnomAD no frequency). This variant has been observed in individual(s) with ornithine transcarbamylase deficiency (PMID: 2035531, 25994866, 34014569). ClinVar contains an entry for this variant (Variation ID: 97299). Studies have shown that this variant alters OTC gene expression (PMID: 2035531). Variants that disrupt the consensus splice site are a relatively common cause of aberrant splicing (PMID: 17576681, 9536098). Algorithms developed to predict the effect of sequence changes on RNA splicing suggest that this variant may disrupt the consensus splice site. For these reasons, this variant has been classified as Pathogenic.

OMIM
Classification: Pathogenic for ORNITHINE TRANSCARBAMYLASE DEFICIENCY. Last evaluated: 1991-06-01. Review status: no assertion criteria provided. Collection method: literature only. Allele origin: germline. Not counted in ClinVar's aggregate classification.

GenMed Metabolism Lab
Classification: Pathogenic. Review status: no assertion criteria provided. Collection method: not provided. Allele origin: unknown. Not counted in ClinVar's aggregate classification.
Comment: Neonatal, Donor splice site error, skipping exon 7
ClinVar note: Converted during submission from pathogenic to Pathogenic.

Literature cited by the submitters: PubMed 2035531 (cited by Labcorp Genetics (formerly Invitae), Labcorp and OMIM); PubMed 25994866 (cited by Labcorp Genetics (formerly Invitae), Labcorp); PubMed 34014569 (cited by Labcorp Genetics (formerly Invitae), Labcorp); PubMed 17576681 (cited by Labcorp Genetics (formerly Invitae), Labcorp); PubMed 9536098 (cited by Labcorp Genetics (formerly Invitae), Labcorp).

NM_000531.6(OTC):c.717+3A>G

Gene: OTC (ornithine transcarbamylase; plus strand). Cytogenetic location: Xp11.4.
Variant type: single nucleotide variant.
Coding change: c.717+3A>G on transcript NM_000531.6 (MANE Select); 3 bases into the intron after coding-DNA position 717, A replaced by G.
Molecular consequence: intron variant.
Genome position (GRCh38, 1-based): chrX:38,408,798, A>G. VCF-style: chrX-38408798-A-G. GRCh37 (hg19) VCF-style: chrX-38268051-A-G.
Other names: IVS7DS, A-G, +3.
Identifiers: ClinVar variation 97299 (VCV000097299.5), dbSNP rs72558432, ClinGen allele CA224755.
Genomic context (GRCh38, chrX:38,408,798, plus strand): 5'-TTAGGGTTATGAGCCGGATGCTAGTGTAACCAAGTTGGCAGAGCAGTATGCCAAAGAGGT[A>G]TGCTCTTTACATGTAAAGCTATTATTGCCTTTTACTGTCCCATGAAGTTATTTAACCAGC-3'